The following is an entry in ClinVar:

NM_000531.6(OTC):c.982G>T (p.Glu328Ter)

Gene: OTC (ornithine transcarbamylase; plus strand). Cytogenetic location: Xp11.4.
Variant type: single nucleotide variant.
Coding change: c.982G>T on transcript NM_000531.6 (MANE Select); coding-DNA position 982, G replaced by T.
Protein change: p.Glu328Ter; replaces glutamic acid 328 with a stop codon.
Molecular consequence: nonsense.
Genome position (GRCh38, 1-based): chrX:38,411,976, G>T. VCF-style: chrX-38411976-G-T. GRCh37 (hg19) VCF-style: chrX-38271229-G-T.
Other names: short protein forms E328*.
Identifiers: ClinVar variation 97375 (VCV000097375.2), dbSNP rs72558477, ClinGen allele CA224862.

ClinVar aggregate classification (germline): Pathogenic (0 of 4 stars; one submission).

Submission:

GenMed Metabolism Lab
Classification: Pathogenic. Review status: no assertion criteria provided. Collection method: not provided. Allele origin: unknown.
Comment: p.Glu328X, Neonatal
ClinVar note: Converted during submission from pathogenic to Pathogenic.